The following is an entry in ClinVar:

ClinVar aggregate classification (germline): Conflicting classifications of pathogenicity. Review status: criteria provided, conflicting classifications (1 of 4 stars). 2 submissions from 2 submitters: Uncertain significance (1); Likely benign (1). Last evaluated 2025-04-08.

Conditions:
Inborn genetic diseases. Identifiers: MedGen C0950123, MeSH D030342.
Deficiency of aromatic-L-amino-acid decarboxylase. Also called: Aromatic amino acid decarboxylase deficiency; AADC DEFICIENCY; DDC DEFICIENCY; DOPA DECARBOXYLASE DEFICIENCY; Aromatic L-Amino Acid Decarboxylase Deficiency. Identifiers: Orphanet 35708, MedGen C1291564, MONDO:0012084, OMIM 608643.

Allele frequency attached by ClinVar (database versions not stated): ExAC 0.00001; gnomAD 0.00001; gnomAD exomes 0.00001.
gnomAD v4.1: 14 of 1,614,032 alleles (0.00087%); highest among the groups gnomAD compares: Middle Eastern, 0.033%; no homozygotes.

Submissions (2):

Ambry Genetics
Classification: Likely benign for Inborn genetic diseases. Last evaluated: 2025-04-08. Review status: criteria provided, single submitter. Criteria: Ambry Variant Classification Scheme 2023. Collection method: clinical testing. Allele origin: germline.

Labcorp Genetics (formerly Invitae), Labcorp
Classification: Uncertain significance for Deficiency of aromatic-L-amino-acid decarboxylase. Last evaluated: 2022-06-10. Review status: criteria provided, single submitter. Criteria: Invitae Variant Classification Sherloc (09022015). Collection method: clinical testing. Allele origin: germline.
Comment: This sequence change replaces alanine, which is neutral and non-polar, with threonine, which is neutral and polar, at codon 45 of the DDC protein (p.Ala45Thr). This variant is present in population databases (rs755313812, gnomAD 0.003%). This variant has not been reported in the literature in individuals affected with DDC-related conditions. Algorithms developed to predict the effect of missense changes on protein structure and function output the following: SIFT: "Tolerated"; PolyPhen-2: "Benign"; Align-GVGD: "Class C0". The threonine amino acid residue is found in multiple mammalian species, which suggests that this missense change does not adversely affect protein function. In summary, the available evidence is currently insufficient to determine the role of this variant in disease. Therefore, it has been classified as a Variant of Uncertain Significance.

NM_001082971.2(DDC):c.133G>A (p.Ala45Thr)

Gene: DDC (dopa decarboxylase; minus strand). Cytogenetic location: 7p12.1.
Variant type: single nucleotide variant.
Coding change: c.133G>A on transcript NM_001082971.2 (MANE Select); coding-DNA position 133, G replaced by A.
Protein change: p.Ala45Thr; replaces alanine 45 with threonine.
Molecular consequence: missense variant.
Genome position (GRCh38, 1-based): chr7:50,543,953, C>T on the plus strand (G>A on the coding strand, the complement: DDC is on the minus strand). VCF-style: chr7-50543953-C-T. GRCh37 (hg19) VCF-style: chr7-50611651-C-T.
Other names: c.133G>A, p.Ala45Thr (NM_000790.4, NM_001242886.2, NM_001242887.2 and 3 more transcripts); c.133G>A (NM_000790.3); short protein forms A45T.
Identifiers: ClinVar variation 2189367 (VCV002189367.2), dbSNP rs755313812, ClinGen allele CA4262490.